The following is an entry in ClinVar:

ClinVar aggregate classification (germline): Uncertain significance (1 of 4 stars; one submission).

Allele frequency attached by ClinVar (database versions not stated): TOPMed 0.00001; gnomAD exomes 0.00003; ExAC 0.00005.
gnomAD v4.1: 36 of 1,614,016 alleles (0.0022%); highest among the groups gnomAD compares: Non-Finnish European, 0.003%; no homozygotes.

Submission:

Ambry Genetics
Classification: Uncertain significance. Last evaluated: 2025-02-15. Review status: criteria provided, single submitter. Criteria: Ambry Variant Classification Scheme 2023. Collection method: clinical testing. Allele origin: germline.
Comment: The p.V518A variant (also known as c.1553T>C), located in coding exon 16 of the SRP72 gene, results from a T to C substitution at nucleotide position 1553. The valine at codon 518 is replaced by alanine, an amino acid with similar properties. This amino acid position is conserved. In addition, this alteration is predicted to be deleterious by in silico analysis. Based on the available evidence, the clinical significance of this variant remains unclear.

NM_006947.4(SRP72):c.1553T>C (p.Val518Ala)

Gene: SRP72 (signal recognition particle 72; plus strand). Cytogenetic location: 4q12.
Variant type: single nucleotide variant.
Coding change: c.1553T>C on transcript NM_006947.4 (MANE Select); coding-DNA position 1553, T replaced by C.
Protein change: p.Val518Ala; replaces valine 518 with alanine.
Molecular consequence: missense variant. On other transcripts: non-coding transcript variant (1).
Genome position (GRCh38, 1-based): chr4:56,491,481, T>C. VCF-style: chr4-56491481-T-C. GRCh37 (hg19) VCF-style: chr4-57357647-T-C.
Other names: c.1370T>C, p.Val457Ala (NM_001267722.2); short protein forms V518A, V457A.
Identifiers: ClinVar variation 2333317 (VCV002333317.3), dbSNP rs762008013, ClinGen allele CA2931403.